The following is an entry in ClinVar:

ClinVar aggregate classification (germline): Uncertain significance (1 of 4 stars; one submission).

Submission:

Labcorp Genetics (formerly Invitae), Labcorp
Classification: Uncertain significance. Last evaluated: 2024-12-19. Review status: criteria provided, single submitter. Criteria: Invitae Variant Classification Sherloc (09022015). Collection method: clinical testing. Allele origin: germline.
Comment: This sequence change replaces aspartic acid, which is acidic and polar, with glutamic acid, which is acidic and polar, at codon 119 of the TNFRSF9 protein (p.Asp119Glu). This variant is not present in population databases (gnomAD no frequency). This variant has not been reported in the literature in individuals affected with TNFRSF9-related conditions. An algorithm developed to predict the effect of missense changes on protein structure and function (PolyPhen-2) suggests that this variant is likely to be disruptive. In summary, the available evidence is currently insufficient to determine the role of this variant in disease. Therefore, it has been classified as a Variant of Uncertain Significance.

NM_001561.6(TNFRSF9):c.357C>G (p.Asp119Glu)

Gene: TNFRSF9 (TNF receptor superfamily member 9; minus strand). Cytogenetic location: 1p36.23.
Variant type: single nucleotide variant.
Coding change: c.357C>G on transcript NM_001561.6 (MANE Select); coding-DNA position 357, C replaced by G.
Protein change: p.Asp119Glu; replaces aspartic acid 119 with glutamic acid.
Molecular consequence: missense variant.
Genome position (GRCh38, 1-based): chr1:7,937,746, G>C on the plus strand (C>G on the coding strand, the complement: TNFRSF9 is on the minus strand). VCF-style: chr1-7937746-G-C. GRCh37 (hg19) VCF-style: chr1-7997806-G-C.
Other names: short protein forms D119E.
Identifiers: ClinVar variation 3727622 (VCV003727622.2).